The following is an entry in ClinVar:

NM_001375883.1(GPR161):c.232G>A (p.Val78Met)

Gene: GPR161 (G protein-coupled receptor 161; minus strand). Cytogenetic location: 1q24.2.
Variant type: single nucleotide variant.
Coding change: c.232G>A on transcript NM_001375883.1 (MANE Select); coding-DNA position 232, G replaced by A.
Protein change: p.Val78Met; replaces valine 78 with methionine.
Molecular consequence: missense variant. On other transcripts: intron variant (4).
Genome position (GRCh38, 1-based): chr1:168,104,619, C>T on the plus strand (G>A on the coding strand, the complement: GPR161 is on the minus strand). VCF-style: chr1-168104619-C-T. GRCh37 (hg19) VCF-style: chr1-168073857-C-T.
Other names: c.292G>A, p.Val98Met (NM_001267609.1); c.232G>A, p.Val78Met (NM_001267610.2, NM_001349632.1, NM_001349633.1 and 5 more transcripts); c.283G>A, p.Val95Met (NM_001267611.1); c.-22-7387G>A (NM_001349635.1, NM_001267612.2); c.33-7387G>A (NM_001267614.1); c.141-7387G>A (NM_001267613.1); short protein forms V78M, V98M, V95M.
Identifiers: ClinVar variation 4706037 (VCV004706037.1).

ClinVar aggregate classification (germline): Uncertain significance (1 of 4 stars; one submission).

gnomAD v4.1: 55 of 1,613,976 alleles (0.0034%); highest among the groups gnomAD compares: Admixed American, 0.017%; no homozygotes.

Submission:

Labcorp Genetics (formerly Invitae), Labcorp
Classification: Uncertain significance. Last evaluated: 2026-01-22. Review status: criteria provided, single submitter. Criteria: Invitae Variant Classification Sherloc (09022015). Collection method: clinical testing. Allele origin: germline.
Comment: This sequence change replaces valine, which is neutral and non-polar, with methionine, which is neutral and non-polar, at codon 98 of the GPR161 protein (p.Val98Met). This variant is present in population databases (rs147802262, gnomAD 0.009%). This variant has not been reported in the literature in individuals affected with GPR161-related conditions. An algorithm developed to predict the effect of missense changes on protein structure and function (PolyPhen-2) suggests that this variant is likely to be tolerated. In summary, the available evidence is currently insufficient to determine the role of this variant in disease. Therefore, it has been classified as a Variant of Uncertain Significance.